The following is an entry in ClinVar:

NM_016343.4(CENPF):c.6905G>A (p.Ser2302Asn)

Gene: CENPF (centromere protein F; plus strand). Cytogenetic location: 1q41.
Variant type: single nucleotide variant.
Coding change: c.6905G>A on transcript NM_016343.4 (MANE Select); coding-DNA position 6905, G replaced by A.
Protein change: p.Ser2302Asn; replaces serine 2302 with asparagine.
Molecular consequence: missense variant.
Genome position (GRCh38, 1-based): chr1:214,646,475, G>A. VCF-style: chr1-214646475-G-A. GRCh37 (hg19) VCF-style: chr1-214819818-G-A.
Other names: short protein forms S2302N.
Identifiers: ClinVar variation 713448 (VCV000713448.12), dbSNP rs79923436, ClinGen allele CA1391033.

ClinVar aggregate classification (germline): Benign. Review status: criteria provided, single submitter (1 of 4 stars). 2 submissions from 2 submitters: Benign (1). 1 of the submissions does not count toward it. Last evaluated 2025-06-30.

Conditions:
CENPF-related disorder. Also called: CENPF-related condition.

Allele frequency attached by ClinVar (database versions not stated): ESP Exome Variant Server 0.00023; TOPMed 0.00100; gnomAD exomes 0.00123 and 0.00319; gnomAD 0.00151 and 0.00173; ExAC 0.00298; 1000 Genomes Project 30x 0.00312; 1000 Genomes Project 0.00359.
gnomAD v4.1: 2,102 of 1,614,110 alleles (0.13%); highest among the groups gnomAD compares: East Asian, 2%; 24 homozygotes.

Submissions (2):

Labcorp Genetics (formerly Invitae), Labcorp
Classification: Benign. Last evaluated: 2025-06-30. Review status: criteria provided, single submitter. Criteria: Invitae Variant Classification Sherloc (09022015). Collection method: clinical testing. Allele origin: germline.

PreventionGenetics, part of Exact Sciences
Classification: Benign for CENPF-related condition. Last evaluated: 2019-08-05. Review status: no assertion criteria provided. Collection method: clinical testing. Allele origin: germline. Not counted in ClinVar's aggregate classification.
Comment: This variant is classified as benign based on ACMG/AMP sequence variant interpretation guidelines (Richards et al. 2015 PMID: 25741868, with internal and published modifications).